The following is an entry in ClinVar:

ClinVar aggregate classification (germline): Uncertain significance (0 of 4 stars; one submission).

Conditions:
COL5A1-related disorder. Also called: COL5A1-related condition.

Submission:

PreventionGenetics, part of Exact Sciences
Classification: Uncertain significance for COL5A1-related condition. Last evaluated: 2023-12-28. Review status: no assertion criteria provided. Collection method: clinical testing. Allele origin: germline.
Comment: The COL5A1 c.83T>G variant is predicted to result in the amino acid substitution p.Leu28Arg. To our knowledge, this variant has not been reported in the literature or in a large population database, indicating this variant is rare. At this time, the clinical significance of this variant is uncertain due to the absence of conclusive functional and genetic evidence.

NM_000093.5(COL5A1):c.83T>G (p.Leu28Arg)

Gene: COL5A1 (collagen type V alpha 1 chain; plus strand). Cytogenetic location: 9q34.3.
Variant type: single nucleotide variant.
Coding change: c.83T>G on transcript NM_000093.5 (MANE Select); coding-DNA position 83, T replaced by G.
Protein change: p.Leu28Arg; replaces leucine 28 with arginine.
Molecular consequence: missense variant.
Genome position (GRCh38, 1-based): chr9:134,642,270, T>G. VCF-style: chr9-134642270-T-G. GRCh37 (hg19) VCF-style: chr9-137534116-T-G.
Other names: c.83T>G, p.Leu28Arg (NM_001278074.1); short protein forms L28R.
Identifiers: ClinVar variation 3058540 (VCV003058540.2), dbSNP rs2491094145, ClinGen allele CA375443996.
Genomic context (GRCh38, chr9:134,642,270, plus strand): 5'-AAGCGCGCAGCGCGCTCCGCCCGGGCGCCCCGCTGCTGCCCCCGCTGCTGCTGCTGCTGC[T>G]GTGGGCGCCGCCTCCGAGCCGCGCAGGTAAGGGCGCCCCGGGGCGCGGGGCTGCGGGATG-3'
Protein context (NP_000084.3, residues 18-38): PLLPPLLLLL[Leu28Arg]WAPPPSRAAQ